The following is an entry in ClinVar:

NM_000059.4(BRCA2):c.3387G>T (p.Gln1129His)

Gene: BRCA2 (BRCA2 DNA repair associated; plus strand). Cytogenetic location: 13q13.1.
Variant type: single nucleotide variant.
Coding change: c.3387G>T on transcript NM_000059.4 (MANE Select); coding-DNA position 3387, G replaced by T.
Protein change: p.Gln1129His; replaces glutamine 1129 with histidine.
Molecular consequence: missense variant.
Genome position (GRCh38, 1-based): chr13:32,337,742, G>T. VCF-style: chr13-32337742-G-T. GRCh37 (hg19) VCF-style: chr13-32911879-G-T.
Other names: short protein forms Q1129H.
Identifiers: ClinVar variation 483012 (VCV000483012.18), dbSNP rs1555283211, ClinGen allele CA387776441.
Genomic context (GRCh38, chr13:32,337,742, plus strand): 5'-AGAAATTACAGAACTTTCTACTATATTAGAAGAATCAGGAAGTCAGTTTGAATTTACTCA[G>T]TTTAGAAAACCAAGCTACATATTGCAGAAGAGTACATTTGAAGTGCCTGAAAACCAGATG-3'
Protein context (NP_000050.3, residues 1119-1139): EESGSQFEFT[Gln1129His]FRKPSYILQK

ClinVar aggregate classification (germline): Conflicting classifications of pathogenicity. Review status: criteria provided, conflicting classifications (1 of 4 stars). 6 submissions from 6 submitters: Uncertain significance (5); Likely benign (1). Last evaluated 2025-02-26.

Conditions:
Hereditary breast ovarian cancer syndrome. Also called: Hereditary breast and ovarian cancer syndrome; Hereditary breast and ovarian cancer; Hereditary breast and ovarian cancer syndrome (HBOC); Breast and ovarian cancer; Hereditary breast and/or ovarian cancer syndrome; BRCA1- and BRCA2-Associated Hereditary Breast and Ovarian Cancer. Identifiers: Orphanet 145, MedGen C0677776, MeSH D061325, MONDO:0003582. Disease mechanism: loss of function.
BRCA2-related cancer predisposition. Identifiers: MedGen CN377758, MONDO:0700269.
Hereditary cancer-predisposing syndrome. Also called: Neoplastic Syndromes, Hereditary; Tumor predisposition; Hereditary Cancer Syndrome; Hereditary neoplastic syndrome. Identifiers: Orphanet 140162, MedGen C0027672, MeSH D009386, MONDO:0015356.

Submissions (6):

ARUP Laboratories, Molecular Genetics and Genomics, ARUP Laboratories
Classification: Uncertain significance. Last evaluated: 2025-02-26. Review status: criteria provided, single submitter. Criteria: ARUP Molecular Germline Variant Investigation Process 2024. Collection method: clinical testing. Allele origin: germline.
Comment: The BRCA2 c.3387G>T; p.Gln1129His variant (rs1555283211), to our knowledge, is not reported in the medical literature but is reported in ClinVar (Variation ID: 483012). This variant is also absent from the Genome Aggregation Database (v2.1.1), indicating it is not a common polymorphism. Computational analyses predict that this variant is neutral (BayesDel Score: -0.1725). However, given the lack of clinical and functional data, the significance of this variant is uncertain at this time.

GeneDx
Classification: Uncertain significance. Last evaluated: 2025-01-09. Review status: criteria provided, single submitter. Criteria: GeneDx Variant Classification Process June 2021. Collection method: clinical testing. Allele origin: germline. Affected: yes.
Comment: Not observed at significant frequency in large population cohorts (gnomAD); In silico analysis supports that this missense variant has a deleterious effect on protein structure/function; Has not been previously published as pathogenic or benign to our knowledge; Also known as 3615G>T

All of Us Research Program, National Institutes of Health
Classification: Uncertain significance for BRCA2-related cancer predisposition. Last evaluated: 2024-04-25. Review status: criteria provided, single submitter. Criteria: ACMG Guidelines, 2015. Collection method: clinical testing. Allele origin: germline. Inheritance: Autosomal dominant inheritance. Observed: 1 variant allele, 1 heterozygote.
Comment: This missense variant replaces glutamine with histidine at codon 1129 of the BRCA2 protein. Computational prediction suggests that this variant may not impact protein structure and function. To our knowledge, functional studies have not been reported for this variant. This variant has not been reported in individuals affected with BRCA2-related disorders in the literature. This variant has not been identified in the general population by the Genome Aggregation Database (gnomAD). The available evidence is insufficient to determine the role of this variant in disease conclusively. Therefore, this variant is classified as a Variant of Uncertain Significance.

This study involves interpretation of variants in research participants for the purpose of population health screening. Participant phenotype was not available at the time of variant classification. Additional details can be found in publication PMID: 35346344, PMCID: PMC8962531

University of Washington Department of Laboratory Medicine, University of Washington
Classification: Likely benign for Hereditary cancer-predisposing syndrome. Last evaluated: 2023-03-23. Review status: criteria provided, single submitter. Criteria: Dines et al. (Genet Med. 2020). Collection method: curation. Allele origin: germline.
Comment: Missense variant in a coldspot region where missense variants are very unlikely to be pathogenic (PMID:31911673).

BRCA2 exon 11 coldspot. Reclassification based on statistical prior probability.

Labcorp Genetics (formerly Invitae), Labcorp
Classification: Uncertain significance for Hereditary breast ovarian cancer syndrome. Last evaluated: 2022-08-12. Review status: criteria provided, single submitter. Criteria: Invitae Variant Classification Sherloc (09022015). Collection method: clinical testing. Allele origin: germline.
Comment: This variant is not present in population databases (gnomAD no frequency). This sequence change replaces glutamine, which is neutral and polar, with histidine, which is basic and polar, at codon 1129 of the BRCA2 protein (p.Gln1129His). This variant has not been reported in the literature in individuals affected with BRCA2-related conditions. ClinVar contains an entry for this variant (Variation ID: 483012). Advanced modeling of protein sequence and biophysical properties (such as structural, functional, and spatial information, amino acid conservation, physicochemical variation, residue mobility, and thermodynamic stability) performed at Invitae indicates that this missense variant is not expected to disrupt BRCA2 protein function. In summary, the available evidence is currently insufficient to determine the role of this variant in disease. Therefore, it has been classified as a Variant of Uncertain Significance.

Ambry Genetics
Classification: Uncertain significance for Hereditary cancer-predisposing syndrome. Last evaluated: 2016-03-23. Review status: criteria provided, single submitter. Criteria: Ambry Variant Classification Scheme 2023. Collection method: clinical testing. Allele origin: germline.
Comment: The p.Q1129H variant (also known as c.3387G>T), located in coding exon 10 of the BRCA2 gene, results from a G to T substitution at nucleotide position 3387. The glutamine at codon 1129 is replaced by histidine, an amino acid with highly similar properties. This variant was not reported in population based cohorts in the following databases: Database of Single Nucleotide Polymorphisms (dbSNP), NHLBI Exome Sequencing Project (ESP), and 1000 Genomes Project. In the ESP, this variant was not observed in 6500 samples (13000 alleles) with coverage at this position. To date, this alteration has been detected with an allele frequency of approximately 0.0004% (greater than 225000 alleles tested) in our clinical cohort. This amino acid position is highly conserved in available vertebrate species. In addition, the in silico prediction for this alteration is inconclusive. Since supporting evidence is limited at this time, the clinical significance of this alteration remains unclear.